The following is an entry in ClinVar:

NM_138501.6(TECR):c.161C>G (p.Pro54Arg)

Gene: TECR (trans-2,3-enoyl-CoA reductase; plus strand). Cytogenetic location: 19p13.12.
Variant type: single nucleotide variant.
Coding change: c.161C>G on transcript NM_138501.6 (MANE Select); coding-DNA position 161, C replaced by G.
Protein change: p.Pro54Arg; replaces proline 54 with arginine.
Molecular consequence: missense variant.
Genome position (GRCh38, 1-based): chr19:14,563,700, C>G. VCF-style: chr19-14563700-C-G. GRCh37 (hg19) VCF-style: chr19-14674512-C-G.
Other names: c.206C>G, p.Pro69Arg (NM_001321170.1); short protein forms P54R, P69R.
Identifiers: ClinVar variation 1029131 (VCV001029131.2), dbSNP rs772297819, ClinGen allele CA9255043.
Genomic context (GRCh38, chr19:14,563,700, plus strand): 5'-GCCCTGTTCTCCCCGCAGATCCGCAGTGGTACCCCGCCCGCCAGTCCCTCCGCCTGGACC[C>G]CAGTGAGTACAGCTGTCCACTCGGCCCGCCCCCTGGGCTCCTGGGTGGCAGTGGGAGAAG-3'
Protein context (NP_612510.1, residues 44-64): YPARQSLRLD[Pro54Arg]KGKSLKDEDV

ClinVar aggregate classification (germline): Uncertain significance. Review status: criteria provided, multiple submitters, no conflicts (2 of 4 stars). 2 submissions from 2 submitters: Uncertain significance (2). Last evaluated 2025-10-29.

Conditions:
Intellectual developmental disorder, autosomal recessive 14. Also called: Intellectual disability, autosomal recessive 14. Identifiers: Orphanet 88616, MedGen C3151462, MONDO:0013528, OMIM 614020.

Allele frequency attached by ClinVar (database versions not stated): gnomAD 0.00002; gnomAD exomes 0.00003 and 0.00001; ExAC 0.00001; TOPMed 0.00003.
gnomAD v4.1: 47 of 1,613,080 alleles (0.0029%); highest among the groups gnomAD compares: Non-Finnish European, 0.0039%; no homozygotes.

Submissions (2):

Ambry Genetics
Classification: Uncertain significance. Last evaluated: 2025-10-29. Review status: criteria provided, single submitter. Criteria: Ambry Variant Classification Scheme 2023. Collection method: clinical testing. Allele origin: germline.

Baylor Genetics
Classification: Uncertain significance for Intellectual developmental disorder, autosomal recessive 14. Last evaluated: 2019-02-22. Review status: criteria provided, single submitter. Criteria: ACMG Guidelines, 2015. Collection method: clinical testing. Allele origin: unknown. Affected: yes.
Comment: This variant was determined to be of uncertain significance according to ACMG Guidelines, 2015 [PMID:25741868].